The following is an entry in ClinVar:

NM_000092.5(COL4A4):c.2899_2903delinsGTCA (p.Ile967fs)

Gene: COL4A4 (collagen type IV alpha 4 chain; minus strand). Cytogenetic location: 2q36.3.
Variant type: Indel.
Coding change: c.2899_2903delinsGTCA on transcript NM_000092.5 (MANE Select); coding-DNA positions 2899 to 2903, ATCAT replaced by GTCA.
Protein change: p.Ile967fs; shifts the reading frame from isoleucine 967.
Molecular consequence: frameshift variant.
Genome position (GRCh38, 1-based): chr2:227,052,370-227,052,374, ATGAT replaced by TGAC on the plus strand (ATCAT replaced by GTCA on the coding strand, the reverse complement: COL4A4 is on the minus strand). VCF-style: chr2-227052370-ATGAT-TGAC. GRCh37 (hg19) VCF-style: chr2-227917086-ATGAT-TGAC.
Other names: short protein forms I967fs.
Identifiers: ClinVar variation 5015399 (VCV005015399.1).

ClinVar aggregate classification (germline): Pathogenic (1 of 4 stars; one submission).

Conditions:
Alport syndrome. Also called: Hemorrhagic familial nephritis; Hemorrhagic hereditary nephritis; Congenital hereditary hematuria. Identifiers: Orphanet 63, MedGen C1567741, MONDO:0018965.

Submission:

Myriad Genetics, Inc.
Classification: Pathogenic for Alport syndrome. Last evaluated: 2026-01-07. Review status: criteria provided, single submitter. Criteria: Myriad Autosomal Dominant, Autosomal Recessive and X-Linked Classification Criteria (2023). Collection method: clinical testing. Allele origin: unknown.
Comment: NM_000092.4(COL4A4):c.2899_2903del5ins4(I967Vfs*71) is expected to be pathogenic in the context of Alport syndrome, COL4A4-related. This variant is predicted to lead to an abnormal or absent protein product due to the creation of a premature termination codon in COL4A4, a gene where loss-of-function variants are known to be pathogenic. Please note: this variant was assessed in the context of healthy population screening.